The following is an entry in ClinVar:

ClinVar aggregate classification (germline): Conflicting classifications of pathogenicity. Review status: criteria provided, conflicting classifications (1 of 4 stars). 2 submissions from 2 submitters: Uncertain significance (1); Likely benign (1). Last evaluated 2024-06-21.

Conditions:
Hereditary cancer-predisposing syndrome. Also called: Neoplastic Syndromes, Hereditary; Tumor predisposition; Hereditary neoplastic syndrome; Hereditary Cancer Syndrome. Identifiers: Orphanet 140162, MedGen C0027672, MeSH D009386, MONDO:0015356.

Submissions (2):

Ambry Genetics
Classification: Uncertain significance for Hereditary cancer-predisposing syndrome. Last evaluated: 2024-06-21. Review status: criteria provided, single submitter. Criteria: Ambry Variant Classification Scheme 2023. Collection method: clinical testing. Allele origin: germline.
Comment: The p.S2143P variant (also known as c.6427T>C), located in coding exon 10 of the BRCA2 gene, results from a T to C substitution at nucleotide position 6427. The serine at codon 2143 is replaced by proline, an amino acid with similar properties. This amino acid position is not well conserved in available vertebrate species. In addition, the in silico prediction for this alteration is inconclusive. Since supporting evidence is limited at this time, the clinical significance of this alteration remains unclear.

University of Washington Department of Laboratory Medicine, University of Washington
Classification: Likely benign for Hereditary cancer-predisposing syndrome. Last evaluated: 2023-03-23. Review status: criteria provided, single submitter. Criteria: Dines et al. (Genet Med. 2020). Collection method: curation. Allele origin: germline.
Comment: Missense variant in a coldspot region where missense variants are very unlikely to be pathogenic (PMID:31911673).

BRCA2 exon 11 coldspot. Reclassification based on statistical prior probability.

NM_000059.4(BRCA2):c.6427T>C (p.Ser2143Pro)

Gene: BRCA2 (BRCA2 DNA repair associated; plus strand). Cytogenetic location: 13q13.1.
Variant type: single nucleotide variant.
Coding change: c.6427T>C on transcript NM_000059.4 (MANE Select); coding-DNA position 6427, T replaced by C.
Protein change: p.Ser2143Pro; replaces serine 2143 with proline.
Molecular consequence: missense variant.
Genome position (GRCh38, 1-based): chr13:32,340,782, T>C. VCF-style: chr13-32340782-T-C. GRCh37 (hg19) VCF-style: chr13-32914919-T-C.
Other names: short protein forms S2143P.
Identifiers: ClinVar variation 826396 (VCV000826396.7), dbSNP rs1593908619, ClinGen allele CA387789287.